The following is an entry in ClinVar:

NM_017934.7(PHIP):c.3345G>A (p.Met1115Ile)

Genes: IRAK1BP1 (interleukin 1 receptor associated kinase 1 binding protein 1; plus strand), PHIP (PHIP subunit of CUL4-Ring ligase complex; minus strand). Cytogenetic location: 6q14.1.
Variant type: single nucleotide variant.
Coding change: c.3345G>A on transcript NM_017934.7 (MANE Select); coding-DNA position 3345, G replaced by A.
Protein change: p.Met1115Ile; replaces methionine 1115 with isoleucine.
Molecular consequence: missense variant.
Genome position (GRCh38, 1-based): chr6:78,965,737, C>T on the plus strand (G>A on the coding strand, the complement: PHIP is on the minus strand). VCF-style: chr6-78965737-C-T. GRCh37 (hg19) VCF-style: chr6-79675454-C-T.
Other names: short protein forms M1115I.
Identifiers: ClinVar variation 5009231 (VCV005009231.1).

ClinVar aggregate classification (germline): Uncertain significance (1 of 4 stars; one submission).

gnomAD v4.1: 2 of 1,576,440 alleles (0.00013%); highest among the groups gnomAD compares: Non-Finnish European, 0.00017%; no homozygotes.

Submission:

GeneDx
Classification: Uncertain significance. Last evaluated: 2026-03-14. Review status: criteria provided, single submitter. Criteria: GeneDx Variant Classification Process June 2021. Collection method: clinical testing. Allele origin: germline.
Comment: Not observed at significant frequency in large population cohorts (gnomAD); In silico analysis suggests that this missense variant does not alter protein structure/function; Has not been previously published as pathogenic or benign to our knowledge